The following is an entry in ClinVar:

ClinVar aggregate classification (germline): Uncertain significance (1 of 4 stars; one submission).

Conditions:
Chromosome 2q32-q33 deletion syndrome (GLASS). Also called: Glass syndrome; 2q33.1 deletion syndrome. Identifiers: Orphanet 251019, MedGen C2676739, MONDO:0012864, OMIM 612313.

Submission:

Labcorp Genetics (formerly Invitae), Labcorp
Classification: Uncertain significance for Chromosome 2q32-q33 deletion syndrome. Last evaluated: 2023-12-08. Review status: criteria provided, single submitter. Criteria: Invitae Variant Classification Sherloc (09022015). Collection method: clinical testing. Allele origin: germline.
Comment: This sequence change replaces leucine, which is neutral and non-polar, with histidine, which is basic and polar, at codon 306 of the SATB2 protein (p.Leu306His). This variant is not present in population databases (gnomAD no frequency). This variant has not been reported in the literature in individuals affected with SATB2-related conditions. ClinVar contains an entry for this variant (Variation ID: 1046438). Advanced modeling performed at Invitae incorporating data from internal and/or published experimental studies (Invitae) indicates that this missense variant is not expected to disrupt SATB2 function with a negative predictive value of 95%. In summary, the available evidence is currently insufficient to determine the role of this variant in disease. Therefore, it has been classified as a Variant of Uncertain Significance.

NM_001172509.2(SATB2):c.917T>A (p.Leu306His)

Gene: SATB2 (SATB homeobox 2; minus strand). Cytogenetic location: 2q33.1.
Variant type: single nucleotide variant.
Coding change: c.917T>A on transcript NM_001172509.2 (MANE Select); coding-DNA position 917, T replaced by A.
Protein change: p.Leu306His; replaces leucine 306 with histidine.
Molecular consequence: missense variant.
Genome position (GRCh38, 1-based): chr2:199,348,957, A>T on the plus strand (T>A on the coding strand, the complement: SATB2 is on the minus strand). VCF-style: chr2-199348957-A-T. GRCh37 (hg19) VCF-style: chr2-200213680-A-T.
Other names: c.917T>A, p.Leu306His (NM_001172517.1, NM_015265.4); short protein forms L306H.
Identifiers: ClinVar variation 1046438 (VCV001046438.9), dbSNP rs1688732391, ClinGen allele CA350387851.